The following is an entry in ClinVar:

NM_000138.5(FBN1):c.4942G>A (p.Asp1648Asn)

Gene: FBN1 (fibrillin 1; minus strand). Cytogenetic location: 15q21.1.
Variant type: single nucleotide variant.
Coding change: c.4942G>A on transcript NM_000138.5 (MANE Select); coding-DNA position 4942, G replaced by A.
Protein change: p.Asp1648Asn; replaces aspartic acid 1648 with asparagine.
Molecular consequence: missense variant.
Genome position (GRCh38, 1-based): chr15:48,465,568, C>T on the plus strand (G>A on the coding strand, the complement: FBN1 is on the minus strand). VCF-style: chr15-48465568-C-T. GRCh37 (hg19) VCF-style: chr15-48757765-C-T.
Other names: short protein forms D1648N.
Identifiers: ClinVar variation 42375 (VCV000042375.11), dbSNP rs397515816, ClinGen allele CA015500.

ClinVar aggregate classification (germline): Pathogenic/Likely pathogenic. Review status: criteria provided, multiple submitters, no conflicts (2 of 4 stars). 5 submissions from 5 submitters: Pathogenic (1); Likely pathogenic (2). 2 of the submissions do not count toward it. Last evaluated 2024-10-11.

Conditions:
Marfan syndrome (MFS). Also called: FBN1-Related Marfan Syndrome; Marfan syndrome, classic; MARFAN SYNDROME, TYPE I; Marfan syndrome type 1; Marfan's syndrome. Identifiers: Orphanet 284963, Orphanet 558, MedGen C0024796, MONDO:0007947, OMIM 154700.
Familial thoracic aortic aneurysm and aortic dissection (TAAD). Also called: Thoracic aortic aneurysms and dissections. Identifiers: Orphanet 91387, MedGen C4707243, MONDO:0019625.

Submissions (5):

Labcorp Genetics (formerly Invitae), Labcorp
Classification: Pathogenic for Marfan syndrome; Familial thoracic aortic aneurysm and aortic dissection. Last evaluated: 2024-10-11. Review status: criteria provided, single submitter. Criteria: Invitae Variant Classification Sherloc (09022015). Collection method: clinical testing. Allele origin: germline.
Comment: This sequence change replaces aspartic acid, which is acidic and polar, with asparagine, which is neutral and polar, at codon 1648 of the FBN1 protein (p.Asp1648Asn). This variant also falls at the last nucleotide of exon 40, which is part of the consensus splice site for this exon. This variant is not present in population databases (gnomAD no frequency). This missense change has been observed in individual(s) with clinical features of Marfan syndrome (PMID: 24793577; internal data). In at least one individual the variant was observed to be de novo. ClinVar contains an entry for this variant (Variation ID: 42375). An algorithm developed to predict the effect of missense changes on protein structure and function (PolyPhen-2) suggests that this variant is likely to be disruptive. Variants that disrupt the consensus splice site are a relatively common cause of aberrant splicing (PMID: 17576681, 9536098). Algorithms developed to predict the effect of sequence changes on RNA splicing suggest that this variant may disrupt the consensus splice site. For these reasons, this variant has been classified as Pathogenic.

Laboratory for Molecular Medicine, Mass General Brigham Personalized Medicine
Classification: Likely pathogenic for Marfan syndrome. Last evaluated: 2009-04-20. Review status: criteria provided, single submitter. Criteria: LMM Criteria. Collection method: clinical testing. Allele origin: germline. Observed: 1 variant allele.

Neuberg Centre For Genomic Medicine, NCGM
Classification: Likely pathogenic for Marfan syndrome. Review status: criteria provided, single submitter. Criteria: ACMG Guidelines, 2015. Collection method: clinical testing. Allele origin: germline. Affected: yes.
Comment: The missense variant p.D1648N in FBN1 (NM_000138.5) has been submitted to ClinVar as Likely Pathogenic but no details are available for independent assesment. It has not been reported previously in affected individuals in literature. The p.D1648N variant is novel (not in any individuals) in gnomAD Exomes and is novel (not in any individuals) in 1000 Genomes. The variant affects a nucleotide at the splice site and hence could potentially affect splicing. The p.D1648N variant is predicted to disrupt splicing by all splice site algorithms. The p.D1648N missense variant is predicted to be damaging by both SIFT and PolyPhen2. The nucleotide c.4942 in FBN1 is predicted conserved by GERP++ and PhyloP across 100 vertebrates. For these reasons, this variant has been classified as Likely Pathogenic.

Department of Laboratory Medicine and Genetics, Samsung Medical Center
Classification: Likely pathogenic for Marfan syndrome. Last evaluated: 2025-01-02. Review status: no assertion criteria provided. Collection method: clinical testing. Allele origin: germline. Not counted in ClinVar's aggregate classification.
Comment: The NM_000138.5:c.4942G>A is considered to be rare in the general population database (gnomAD v2.1.1). This variant is located in functional domains. This variant was found in a patient with Marfan syndrome meeting Ghent criteria (PMID: 24793577). According to the ClinGen guidance for PP1/BS4 and PP4 criteria (PMID: 38103548), PP4 with weighted strength was applied. In summary, this variant was classified as a likely pathogenic variant for Marfan syndrome (PM1, PP2, PP4 with weighted strength, PM2_P).

Center for Medical Genetics Ghent, University of Ghent
Classification: Likely pathogenic for Marfan syndrome. Last evaluated: 2017-11-07. Review status: no assertion criteria provided. Collection method: clinical testing. Allele origin: germline. Affected: yes. Not counted in ClinVar's aggregate classification.

Literature cited by the submitters: PubMed 24793577 (cited by Labcorp Genetics (formerly Invitae), Labcorp and Department of Laboratory Medicine and Genetics, Samsung Medical Center); PubMed 17576681 (cited by Labcorp Genetics (formerly Invitae), Labcorp); PubMed 9536098 (cited by Labcorp Genetics (formerly Invitae), Labcorp); PubMed 37558401 (cited by Department of Laboratory Medicine and Genetics, Samsung Medical Center).